The following is an entry in ClinVar:

NM_001164508.2(NEB):c.17690C>G (p.Thr5897Ser)

Gene: NEB (nebulin; minus strand). Cytogenetic location: 2q23.3.
Variant type: single nucleotide variant.
Coding change: c.17690C>G on transcript NM_001164508.2 (MANE Select); coding-DNA position 17690, C replaced by G.
Protein change: p.Thr5897Ser; replaces threonine 5897 with serine.
Molecular consequence: missense variant.
Genome position (GRCh38, 1-based): chr2:151,568,362, G>C on the plus strand (C>G on the coding strand, the complement: NEB is on the minus strand). VCF-style: chr2-151568362-G-C. GRCh37 (hg19) VCF-style: chr2-152424876-G-C.
Other names: c.17690C>G, p.Thr5897Ser (NM_001164507.2, NM_001271208.2); c.12587C>G, p.Thr4196Ser (NM_004543.5); short protein forms T4196S, T5897S.
Identifiers: ClinVar variation 1978984 (VCV001978984.1), dbSNP rs368206682, ClinGen allele CA348804939.

ClinVar aggregate classification (germline): Uncertain significance (1 of 4 stars; one submission).

Conditions:
Nemaline myopathy 2 (NEM2). Also called: Nemaline myopathy 2, autosomal recessive. Identifiers: MedGen C1850569, MONDO:0009725, OMIM 256030.

Allele frequency attached by ClinVar (database versions not stated): TOPMed below 0.00001.
gnomAD v4.1: 1 of 1,613,284 alleles (0.000062%); highest among the groups gnomAD compares: Admixed American, 0.0017%; no homozygotes.

Submission:

Labcorp Genetics (formerly Invitae), Labcorp
Classification: Uncertain significance for Nemaline myopathy 2. Last evaluated: 2022-05-11. Review status: criteria provided, single submitter. Criteria: Invitae Variant Classification Sherloc (09022015). Collection method: clinical testing. Allele origin: germline.
Comment: This sequence change replaces threonine, which is neutral and polar, with serine, which is neutral and polar, at codon 5897 of the NEB protein (p.Thr5897Ser). This variant is present in population databases (no rsID available, gnomAD 0.003%). This variant has not been reported in the literature in individuals affected with NEB-related conditions. Algorithms developed to predict the effect of missense changes on protein structure and function are either unavailable or do not agree on the potential impact of this missense change (SIFT: "Deleterious"; PolyPhen-2: "Not Available"; Align-GVGD: "Class C0"). In summary, the available evidence is currently insufficient to determine the role of this variant in disease. Therefore, it has been classified as a Variant of Uncertain Significance.